The following is an entry in ClinVar:

NM_004463.3(FGD1):c.2015+1G>A

Gene: FGD1 (FYVE, RhoGEF and PH domain containing 1; minus strand). Cytogenetic location: Xp11.22.
Variant type: single nucleotide variant.
Coding change: c.2015+1G>A on transcript NM_004463.3 (MANE Select); the canonical splice donor site of the intron after coding-DNA position 2015, G replaced by A.
Molecular consequence: splice donor variant.
Genome position (GRCh38, 1-based): chrX:54,455,447, C>T on the plus strand (G>A on the coding strand, the complement: FGD1 is on the minus strand). VCF-style: chrX-54455447-C-T. GRCh37 (hg19) VCF-style: chrX-54481880-C-T.
Identifiers: ClinVar variation 1784456 (VCV001784456.2), dbSNP rs2522698895, ClinGen allele CA413359711.

ClinVar aggregate classification (germline): Likely pathogenic (1 of 4 stars; one submission).

Conditions:
Inborn genetic diseases. Identifiers: MedGen C0950123, MeSH D030342.

Submission:

Ambry Genetics
Classification: Likely pathogenic for Inborn genetic diseases. Last evaluated: 2020-05-13. Review status: criteria provided, single submitter. Criteria: Ambry Variant Classification Scheme 2023. Collection method: clinical testing. Allele origin: germline.
Comment: The c.2015+1G>A intronic variant results from a G to A substitution one nucleotide after coding exon 12 of the FGD1 gene. This nucleotide position is highly conserved in available vertebrate species. Using the BDGP and ESEfinder splice site prediction tools, this alteration is predicted to abolish the native splice donor site; however, direct evidence is unavailable. Alterations that disrupt the canonical splice site are expected to cause aberrant splicing, resulting in an abnormal protein or a transcript that is subject to nonsense-mediated mRNA decay. As such, this alteration is classified as likely pathogenic.